The following is an entry in ClinVar:

ClinVar aggregate classification (germline): Pathogenic. Review status: reviewed by expert panel (3 of 4 stars). 3 submissions from 3 submitters: Pathogenic (1). 2 of the submissions do not count toward it. Last evaluated 2020-04-05.

Conditions:
Phenylketonuria (PKU). Also called: OLIGOPHRENIA PHENYLPYRUVICA; Phenylketonurias; FOLLING DISEASE; Phenylketonuria (PKU). Identifiers: Orphanet 716, MedGen C0031485, MONDO:0009861, OMIM 261600. Disease mechanism: loss of function.

gnomAD v4.1: 1 of 1,611,650 alleles (0.000062%); highest among the groups gnomAD compares: Non-Finnish European, 0.000085%; no homozygotes.

Submissions (3):

ClinGen PAH Variant Curation Expert Panel
Classification: Pathogenic for Phenylketonuria. Last evaluated: 2020-04-05. Review status: reviewed by expert panel. Criteria: ClinGen PAH ACMG Specifications v1. Collection method: curation. Allele origin: germline. Inheritance: Autosomal recessive inheritance.
Comment: The c.441+1G>C variant in PAH is a canonical splice-site variant predicted to result in skipping of exon 5, leading to a frameshift, premature protein truncation, and NMD (PVS1). It is present at an extremely low frequency in gnomAD (MAF = 0.00000398, less than the 0.0002 MAF cutoff) (PM2) and absent from other ethnically diverse control databases, including 1000 Genomes and ESP (PM2). It is reported Likely Pathogenic in Clinvar (Variation ID 556894) by one diagnostic testing lab. BH4 deficiency was excluded by urinary pterin analysis (PP4_Moderate). The patient was homozygous for the variant (PMID: 24048906) (PM3_Supporting). Classification: Pathogenic Supporting Criteria: PVS1, PM2, PM3_Supporting, PP4_Moderate

Natera, Inc.
Classification: Pathogenic for Phenylketonuria. Last evaluated: 2025-03-22. Review status: criteria provided, single submitter. Criteria: Natera Variant Classification Schema (03/2026). Collection method: clinical testing. Allele origin: germline. Not counted in ClinVar's aggregate classification.
Comment: The c.441+1G>C variant in PAH is a canonical splice donor site variant predicted to affect pre-mRNA splicing, which may result in an abnormal transcript and altered protein product. This variant is expected to result in nonsense mediated decay, truncation, or a dysfunctional protein product. This variant is rare in the general population with a frequency below the threshold expected for the associated phenotype(s). This variant has been observed in one or more individuals affected with the associated recessive disease, as either homozygous or compound heterozygous with a second variant (PMID: 24048906). Given the available evidence, this variant is classified as Pathogenic.

Counsyl
Classification: Likely pathogenic for Phenylketonuria. Last evaluated: 2018-02-26. Review status: no assertion criteria provided. Collection method: clinical testing. Allele origin: unknown. Not counted in ClinVar's aggregate classification.

Literature cited by the submitters: PubMed 24048906 (cited by Natera, Inc. and Counsyl).

NM_000277.3(PAH):c.441+1G>C

Gene: PAH (phenylalanine hydroxylase; minus strand). Cytogenetic location: 12q23.2.
Variant type: single nucleotide variant.
Coding change: c.441+1G>C on transcript NM_000277.3 (MANE Select); the canonical splice donor site of the intron after coding-DNA position 441, G replaced by C.
Molecular consequence: splice donor variant.
Genome position (GRCh38, 1-based): chr12:102,877,461, C>G on the plus strand (G>C on the coding strand, the complement: PAH is on the minus strand). VCF-style: chr12-102877461-C-G. GRCh37 (hg19) VCF-style: chr12-103271239-C-G.
Other names: c.441+1G>C (NM_000277.2, NM_001354304.2).
Identifiers: ClinVar variation 556894 (VCV000556894.5), dbSNP rs62517166, ClinGen allele CA6748955.